The following is an entry in ClinVar:

NC_000023.11:g.(31774193_31819974)_(31820084_31836717)del

Gene: DMD (dystrophin; minus strand). Cytogenetic location: Xp21.1.
Variant type: Deletion.
Identifiers: ClinVar variation 981963 (VCV000981963.1).

ClinVar aggregate classification (germline): Pathogenic (1 of 4 stars; one submission).

Conditions:
Neuromuscular disease caused by qualitative or quantitative defects of dystrophin. Also called: Qualitative or quantitative defects of dystrophin. Identifiers: Orphanet 207085, MedGen C5679787, MONDO:0016147.

Submission:

Women's Health and Genetics/Laboratory Corporation of America, LabCorp
Classification: Pathogenic for Dystrophinopathies. Last evaluated: 2020-05-15. Review status: criteria provided, single submitter. Criteria: LabCorp Variant Classification Summary - May 2015. Collection method: clinical testing. Allele origin: germline.
Comment: Variant summary: The variant identified by MLPA or other technology involves the deletion of exon 50 in the DMD gene. A presumed nomenclature of c.(7200+1_7201-1)_(7309+1_7310-1)del has been designated for the purposes of this classification. Although exact breakpoints of this deletion are not known, it is expected to result in a frameshift (predicted protein level effect : p.Arg2401Leufs*9) in the DMD gene, a known mechanism of disease. The variant was absent in 16117 control chromosomes (gnomAD, Structural Variants dataset). c.(7200+1_7201-1)_(7309+1_7310-1)del has been reported in the literature in individuals affected with Dystrophinopathies (e.g. Elhawary_2018, Skuk_2004, Zhang_2019). These data indicate that the variant is likely to be associated with disease. To our knowledge, no experimental evidence demonstrating an impact on protein function has been reported. One ClinVar submitter (evaluation after 2014) cite the variant as pathogenic. Based on the evidence outlined above, the variant was classified as pathogenic.

Literature cited by the submitters: PubMed 29631625; PubMed 15038390; PubMed 31727011.